The following is an entry in ClinVar:

NM_001289104.2(PRKCSH):c.271C>T (p.Arg91Trp)

Gene: PRKCSH (PRKCSH beta subunit of glucosidase II; plus strand). Cytogenetic location: 19p13.2.
Variant type: single nucleotide variant.
Coding change: c.271C>T on transcript NM_001289104.2 (MANE Select); coding-DNA position 271, C replaced by T.
Protein change: p.Arg91Trp; replaces arginine 91 with tryptophan.
Molecular consequence: missense variant.
Genome position (GRCh38, 1-based): chr19:11,437,950, C>T. VCF-style: chr19-11437950-C-T. GRCh37 (hg19) VCF-style: chr19-11548771-C-T.
Other names: c.271C>T, p.Arg91Trp (NM_001001329.3, NM_001289102.2, NM_001289103.2 and 3 more transcripts); short protein forms R91W.
Identifiers: ClinVar variation 3583415 (VCV003583415.3).

ClinVar aggregate classification (germline): Conflicting classifications of pathogenicity. Review status: criteria provided, conflicting classifications (1 of 4 stars). 3 submissions from 3 submitters: Uncertain significance (2); Likely benign (1). Last evaluated 2026-01-30.

Conditions:
Polycystic liver disease 1 (PCLD1). Also called: Polycystic liver disease 1 with or without kidney cysts. Identifiers: Orphanet 2924, MedGen C0887850, MONDO:0008265, OMIM 174050.

Submissions (3):

Labcorp Genetics (formerly Invitae), Labcorp
Classification: Uncertain significance. Last evaluated: 2026-01-30. Review status: criteria provided, single submitter. Criteria: Invitae Variant Classification Sherloc (09022015). Collection method: clinical testing. Allele origin: germline.
Comment: This sequence change replaces arginine, which is basic and polar, with tryptophan, which is neutral and slightly polar, at codon 91 of the PRKCSH protein (p.Arg91Trp). This variant is present in population databases (rs144001882, gnomAD 0.003%). This variant has not been reported in the literature in individuals affected with PRKCSH-related conditions. ClinVar contains an entry for this variant (Variation ID: 3583415). An algorithm developed to predict the effect of missense changes on protein structure and function outputs the following: PolyPhen-2: "Benign". The tryptophan amino acid residue is found in multiple mammalian species, which suggests that this missense change does not adversely affect protein function. In summary, the available evidence is currently insufficient to determine the role of this variant in disease. Therefore, it has been classified as a Variant of Uncertain Significance.

Fulgent Genetics
Classification: Uncertain significance for Polycystic liver disease 1. Last evaluated: 2024-01-09. Review status: criteria provided, single submitter. Criteria: ACMG Guidelines, 2015. Collection method: clinical testing. Allele origin: germline.

Blueprint Genetics
Classification: Likely benign. Last evaluated: 2023-01-11. Review status: criteria provided, single submitter. Criteria: ACMG Guidelines, 2015. Collection method: clinical testing. Allele origin: germline.